The following is an entry in ClinVar:

ClinVar aggregate classification (germline): Pathogenic/Likely pathogenic. Review status: criteria provided, multiple submitters, no conflicts (2 of 4 stars). 3 submissions from 3 submitters: Pathogenic (1); Likely pathogenic (2). Last evaluated 2025-06-05.

Conditions:
Arthrogryposis multiplex congenita 6. Identifiers: MedGen C5543431, MONDO:0030281, OMIM 619334.
Nemaline myopathy 2 (NEM2). Also called: Nemaline myopathy 2, autosomal recessive. Identifiers: MedGen C1850569, MONDO:0009725, OMIM 256030.

gnomAD v4.1: 1 of 1,613,908 alleles (0.000062%); highest among the groups gnomAD compares: African/African-American, 0.0013%; no homozygotes.

Submissions (3):

Natera, Inc.
Classification: Likely pathogenic for Nemaline myopathy type 2. Last evaluated: 2025-06-05. Review status: criteria provided, single submitter. Criteria: Natera Variant Classification Schema (03/2026). Collection method: clinical testing. Allele origin: germline.
Comment: The c.4842C>G variant in NEB is a nonsense variant predicted to introduce a stop codon at amino acid 1614. This variant is expected to result in nonsense mediated decay, truncation, or a dysfunctional protein product. This variant is rare in the general population with a frequency below the threshold expected for the associated phenotype(s). Given the available evidence, this variant is classified as Likely Pathogenic.

Baylor Genetics
Classification: Likely pathogenic for Arthrogryposis multiplex congenita 6. Last evaluated: 2023-09-06. Review status: criteria provided, single submitter. Criteria: ACMG Guidelines, 2015. Collection method: clinical testing. Allele origin: unknown.

Labcorp Genetics (formerly Invitae), Labcorp
Classification: Pathogenic for Nemaline myopathy 2. Last evaluated: 2021-09-25. Review status: criteria provided, single submitter. Criteria: Invitae Variant Classification Sherloc (09022015). Collection method: clinical testing. Allele origin: germline.
Comment: For these reasons, this variant has been classified as Pathogenic. Algorithms developed to predict the effect of sequence changes on RNA splicing suggest that this variant may create or strengthen a splice site. This variant has not been reported in the literature in individuals affected with NEB-related conditions. This variant is not present in population databases (ExAC no frequency). This sequence change creates a premature translational stop signal (p.Tyr1614*) in the NEB gene. It is expected to result in an absent or disrupted protein product. Loss-of-function variants in NEB are known to be pathogenic (PMID: 25205138).

Literature cited by the submitters: PubMed 25205138 (cited by Labcorp Genetics (formerly Invitae), Labcorp).

NM_001164508.2(NEB):c.4842C>G (p.Tyr1614Ter)

Gene: NEB (nebulin; minus strand). Cytogenetic location: 2q23.3.
Variant type: single nucleotide variant.
Coding change: c.4842C>G on transcript NM_001164508.2 (MANE Select); coding-DNA position 4842, C replaced by G.
Protein change: p.Tyr1614Ter; replaces tyrosine 1614 with a stop codon.
Molecular consequence: nonsense.
Genome position (GRCh38, 1-based): chr2:151,666,279, G>C on the plus strand (C>G on the coding strand, the complement: NEB is on the minus strand). VCF-style: chr2-151666279-G-C. GRCh37 (hg19) VCF-style: chr2-152522793-G-C.
Other names: c.4842C>G, p.Tyr1614Ter (NM_001164507.2, NM_001271208.2, NM_004543.5); c.4842C>G (NM_001271208.1); short protein forms Y1614*.
Identifiers: ClinVar variation 1402055 (VCV001402055.8), dbSNP rs2154179061, ClinGen allele CA348813722.